The following is an entry in ClinVar:

ClinVar aggregate classification (germline): Benign/Likely benign. Review status: criteria provided, multiple submitters, no conflicts (2 of 4 stars). 4 submissions from 4 submitters: Benign (1); Likely benign (3). Last evaluated 2025-11-18.

Conditions:
3-hydroxy-3-methylglutaryl-CoA synthase deficiency (HMGCS2D). Also called: MITOCHONDRIAL HMG-CoA SYNTHASE DEFICIENCY; HMG-CoA synthase-2 deficiency; HMGCS2 DEFICIENCY. Identifiers: Orphanet 35701, MedGen C2751532, MONDO:0011614, OMIM 605911.

Allele frequency attached by ClinVar (database versions not stated): TOPMed 0.00252; ESP Exome Variant Server 0.00300; 1000 Genomes Project 0.00359; 1000 Genomes Project 30x 0.00390.
gnomAD v4.1: 757 of 1,613,770 alleles (0.047%); highest among the groups gnomAD compares: African/African-American, 0.91%; 5 homozygotes.

Submissions (4):

Labcorp Genetics (formerly Invitae), Labcorp
Classification: Benign for 3-hydroxy-3-methylglutaryl-CoA synthase deficiency. Last evaluated: 2025-11-18. Review status: criteria provided, single submitter. Criteria: Invitae Variant Classification Sherloc (09022015). Collection method: clinical testing. Allele origin: germline.

Blueprint Genetics
Classification: Likely benign. Last evaluated: 2024-10-08. Review status: criteria provided, single submitter. Criteria: ACMG Guidelines, 2015. Collection method: clinical testing. Allele origin: germline.

GeneDx
Classification: Likely benign. Last evaluated: 2020-01-14. Review status: criteria provided, single submitter. Criteria: GeneDx Variant Classification Process June 2021. Collection method: clinical testing. Allele origin: germline. Affected: yes.

Illumina Laboratory Services, Illumina
Classification: Likely benign for 3-hydroxy-3-methylglutaryl-CoA synthase deficiency. Last evaluated: 2018-01-13. Review status: criteria provided, single submitter. Criteria: ICSL Variant Classification Criteria 13 December 2019. Collection method: clinical testing. Allele origin: germline.
Comment: This variant was observed in the ICSL laboratory as part of a predisposition screen in an ostensibly healthy population. It had not been previously curated by ICSL or reported in the Human Gene Mutation Database (HGMD: prior to June 1st, 2018), and was therefore a candidate for classification through an automated scoring system. Utilizing variant allele frequency, disease prevalence and penetrance estimates, and inheritance mode, an automated score was calculated to assess if this variant is too frequent to cause the disease. Based on the score and internal cut-off values, a variant classified as likely benign is not then subjected to further curation. The score for this variant resulted in a classification of likely benign for this disease.

NM_005518.4(HMGCS2):c.862C>A (p.Arg288=)

Gene: HMGCS2 (3-hydroxy-3-methylglutaryl-CoA synthase 2; minus strand). Cytogenetic location: 1p12.
Variant type: single nucleotide variant.
Coding change: c.862C>A on transcript NM_005518.4 (MANE Select); coding-DNA position 862, C replaced by A.
Protein change: p.Arg288=; no amino-acid change (arginine 288 retained).
Molecular consequence: synonymous variant.
Genome position (GRCh38, 1-based): chr1:119,757,427, G>T on the plus strand (C>A on the coding strand, the complement: HMGCS2 is on the minus strand). VCF-style: chr1-119757427-G-T. GRCh37 (hg19) VCF-style: chr1-120300050-G-T.
Other names: c.736C>A, p.Arg246= (NM_001166107.1).
Identifiers: ClinVar variation 292333 (VCV000292333.17), dbSNP rs142637231, ClinGen allele CA1037746.
Genomic context (GRCh38, chr1:119,757,427, plus strand): 5'-CCATCTTGCAAAAGGGTGTATGAAAGATCATGTACTGTAAATCGTCAAGGGTGAAGGGTC[G>T]ATCGCTGCCAGCTGGAAGAGGAAGCGTGAAGGCAAGGATGGGGCATGAGGGGCGAGCCAT-3'
Protein context (NP_005509.1, residues 278-298): QNQWKQAGSD[Arg288=]PFTLDDLQYM